The following is an entry in ClinVar:

ClinVar aggregate classification (germline): Uncertain significance (1 of 4 stars; one submission).

Conditions:
CACNA1F-related disorder. Also called: CACNA1F-related condition.

Submission:

PreventionGenetics, part of Exact Sciences
Classification: Uncertain significance for CACNA1F-related condition. Last evaluated: 2022-10-21. Review status: criteria provided, single submitter. Criteria: ACMG Guidelines, 2015. Collection method: clinical testing. Allele origin: germline.
Comment: The CACNA1F c.1087G>C variant is predicted to result in the amino acid substitution p.Val363Leu. To our knowledge, this variant has not been reported in the literature or in a large population database, indicating this variant is rare. At this time, the clinical significance of this variant is uncertain due to the absence of conclusive functional and genetic evidence.

NM_001256789.3(CACNA1F):c.1087G>C (p.Val363Leu)

Gene: CACNA1F (calcium voltage-gated channel subunit alpha1 F; minus strand). Cytogenetic location: Xp11.23.
Variant type: single nucleotide variant.
Coding change: c.1087G>C on transcript NM_001256789.3 (MANE Select); coding-DNA position 1087, G replaced by C.
Protein change: p.Val363Leu; replaces valine 363 with leucine.
Molecular consequence: missense variant.
Genome position (GRCh38, 1-based): chrX:49,228,067, C>G on the plus strand (G>C on the coding strand, the complement: CACNA1F is on the minus strand). VCF-style: chrX-49228067-C-G. GRCh37 (hg19) VCF-style: chrX-49084529-C-G.
Other names: c.892G>C, p.Val298Leu (NM_001256790.3); c.1087G>C, p.Val363Leu (NM_005183.4); short protein forms V298L, V363L.
Identifiers: ClinVar variation 2637268 (VCV002637268.1), dbSNP rs782540789, ClinGen allele CA412919750.